The following is an entry in ClinVar:

NM_001206744.2(TPO):c.1759G>A (p.Gly587Arg)

Genes: LALTOP (lung cancer associated lncRNA targeting TOP2A; minus strand), TPO (thyroid peroxidase; plus strand). Cytogenetic location: 2p25.3.
Variant type: single nucleotide variant.
Coding change: c.1759G>A on transcript NM_001206744.2 (MANE Select); coding-DNA position 1759, G replaced by A.
Protein change: p.Gly587Arg; replaces glycine 587 with arginine.
Molecular consequence: missense variant. On other transcripts: intron variant (2).
Genome position (GRCh38, 1-based): chr2:1,487,982, G>A. VCF-style: chr2-1487982-G-A. GRCh37 (hg19) VCF-style: chr2-1491754-G-A.
Other names: c.1759G>A, p.Gly587Arg (NM_000547.6, NM_175721.3); c.1240G>A, p.Gly414Arg (NM_175722.3); c.1597+3128G>A (NM_175719.4, NM_001206745.2); short protein forms G414R, G587R.
Identifiers: ClinVar variation 4855614 (VCV004855614.1).

ClinVar aggregate classification (germline): Uncertain significance (1 of 4 stars; one submission).

Conditions:
Deficiency of iodide peroxidase (TDH2A). Also called: HYPOTHYROIDISM, CONGENITAL, DUE TO DYSHORMONOGENESIS, 2A; IODIDE PEROXIDASE DEFICIENCY; THYROID HORMONOGENESIS, GENETIC DEFECT IN, 2A; THYROID PEROXIDASE DEFICIENCY; Thyroid dyshormonogenesis 2A. Identifiers: Orphanet 95716, MedGen C1291299, MONDO:0010133, OMIM 274500.

gnomAD v4.1: 29 of 1,612,952 alleles (0.0018%); highest among the groups gnomAD compares: East Asian, 0.0022%; no homozygotes.

Submission:

3billion
Classification: Uncertain significance for Deficiency of iodide peroxidase. Last evaluated: 2025-11-25. Review status: criteria provided, single submitter. Criteria: ACMG Guidelines, 2015. Collection method: clinical testing. Allele origin: germline. Affected: yes.
Comment: The variant is observed at an extremely low frequency in the gnomAD v4.1.0 dataset (total allele frequency: 0.002%). Predicted Consequence/Location: Missense variant In silico tool predictions suggest damaging effect of the variant on gene or gene product [REVEL: 0.89 (>=0.6, sensitivity 0.68 and specificity 0.92); 3Cnet: 0.93 (> 0.75, sensitivity 0.96 and precision 0.92)]. The variant has been reported as of uncertain significance (PMID: 30375286). Therefore, this variant is classified as VUS according to the recommendation of ACMG/AMP guideline.